The following is an entry in ClinVar:

ClinVar aggregate classification (germline): Likely benign (1 of 4 stars; one submission).

Submission:

CeGaT Center for Human Genetics Tuebingen
Classification: Likely benign. Last evaluated: 2026-04-01. Review status: criteria provided, single submitter. Criteria: CeGaT Center For Human Genetics Tuebingen Variant Classification Criteria Version 2. Collection method: clinical testing. Allele origin: germline. Affected: yes. Observed: 3 variant alleles.
Comment: KRT6C: BP4, BP7

NM_173086.5(KRT6C):c.183G>T (p.Leu61=)

Gene: KRT6C (keratin 6C; minus strand). Cytogenetic location: 12q13.13.
Variant type: single nucleotide variant.
Coding change: c.183G>T on transcript NM_173086.5 (MANE Select); coding-DNA position 183, G replaced by T.
Protein change: p.Leu61=; no amino-acid change (leucine 61 retained).
Molecular consequence: synonymous variant.
Genome position (GRCh38, 1-based): chr12:52,473,555, C>A on the plus strand (G>T on the coding strand, the complement: KRT6C is on the minus strand). VCF-style: chr12-52473555-C-A. GRCh37 (hg19) VCF-style: chr12-52867339-C-A.
Identifiers: ClinVar variation 2643026 (VCV002643026.24), dbSNP rs2885799, ClinGen allele CA6581639.